The following is an entry in ClinVar:

ClinVar aggregate classification (germline): Conflicting classifications of pathogenicity. Review status: criteria provided, conflicting classifications (1 of 4 stars). 2 submissions from 2 submitters: Uncertain significance (1); Benign (1). Last evaluated 2022-05-01.

Conditions:
Epilepsy, idiopathic generalized, susceptibility to, 13. Also called: EPILEPSY, JUVENILE MYOCLONIC, SUSCEPTIBILITY TO, 5. Identifiers: Orphanet 307, Orphanet 64280, MedGen C4013473, MONDO:0012627, OMIM 611136.

Allele frequency attached by ClinVar (database versions not stated): 1000 Genomes Project 30x 0.00016; gnomAD 0.00064 and 0.00066; TOPMed 0.00066.

Submissions (2):

CeGaT Center for Human Genetics Tuebingen
Classification: Benign. Last evaluated: 2022-05-01. Review status: criteria provided, single submitter. Criteria: CeGaT Center For Human Genetics Tuebingen Variant Classification Criteria Version 2. Collection method: clinical testing. Allele origin: germline. Affected: yes. Observed: 1 variant allele.
Comment: GABRA1: BS1, BS2

Illumina Laboratory Services, Illumina
Classification: Uncertain significance for Epilepsy, idiopathic generalized, susceptibility to, 13. Last evaluated: 2018-01-13. Review status: criteria provided, single submitter. Criteria: ICSL Variant Classification Criteria 13 December 2019. Collection method: clinical testing. Allele origin: germline.

NM_001127644.2(GABRA1):c.*1752G>T

Gene: GABRA1 (gamma-aminobutyric acid type A receptor subunit alpha1; plus strand). Cytogenetic location: 5q34.
Variant type: single nucleotide variant.
Coding change: c.*1752G>T on transcript NM_001127644.2 (MANE Select); 1752 bases downstream of the stop codon, G replaced by T.
Molecular consequence: 3 prime UTR variant.
Genome position (GRCh38, 1-based): chr5:161,899,174, G>T. VCF-style: chr5-161899174-G-T. GRCh37 (hg19) VCF-style: chr5-161326180-G-T.
Other names: c.*1752G>T (NM_000806.5, NM_001127643.2, NM_001127645.2 and 1 more transcripts).
Identifiers: ClinVar variation 352619 (VCV000352619.36), dbSNP rs41303356, ClinGen allele CA10621179.
Genomic context (GRCh38, chr5:161,899,174, plus strand): 5'-AACACACTTAGAATACTACAGCATAAATCTGTTAGCATTATTGCCAAATAAGACAGTTGG[G>T]ATCCAAACCCAAGTCTTGAGCAATGTTTTTCTCAAAAAGCTGCTATCCAATGATATAGGA-3'